The following is an entry in ClinVar:

ClinVar aggregate classification (germline): Uncertain significance (1 of 4 stars; one submission).

Allele frequency attached by ClinVar (database versions not stated): gnomAD exomes below 0.00001.
gnomAD v4.1: 1 of 1,613,960 alleles (0.000062%); highest among the groups gnomAD compares: Non-Finnish European, 0.000085%; no homozygotes.

Submission:

GeneDx
Classification: Uncertain significance. Last evaluated: 2021-05-17. Review status: criteria provided, single submitter. Criteria: GeneDx Variant Classification Process June 2021. Collection method: clinical testing. Allele origin: germline. Affected: yes.
Comment: Not observed in large population cohorts (Lek et al., 2016); In silico analysis, which includes protein predictors and evolutionary conservation, supports a deleterious effect; Has not been previously published as pathogenic or benign to our knowledge

NM_001037333.3(CYFIP2):c.1541G>A (p.Arg514Gln)

Gene: CYFIP2 (cytoplasmic FMR1 interacting protein 2; plus strand). Cytogenetic location: 5q33.3.
Variant type: single nucleotide variant.
Coding change: c.1541G>A on transcript NM_001037333.3 (MANE Select); coding-DNA position 1541, G replaced by A.
Protein change: p.Arg514Gln; replaces arginine 514 with glutamine.
Molecular consequence: missense variant.
Genome position (GRCh38, 1-based): chr5:157,320,672, G>A. VCF-style: chr5-157320672-G-A. GRCh37 (hg19) VCF-style: chr5-156747680-G-A.
Other names: c.1463G>A, p.Arg488Gln (NM_001291721.2); c.1541G>A, p.Arg514Gln (NM_001291722.2, NM_014376.4); short protein forms R488Q, R514Q.
Identifiers: ClinVar variation 1205385 (VCV001205385.3), dbSNP rs1693303527, ClinGen allele CA361969198.
Genomic context (GRCh38, chr5:157,320,672, plus strand): 5'-CCATGGTGAAACCTGGTCTAAGTCTTAGTTCTTCCTTCCCCAGCGTCCTACAGGCAATTC[G>A]AAAGACCATCTGTGACTGGGAGGGAGGGCGAGAGCCCCCTAATGACCCATGCTTGAGAGG-3'
Protein context (NP_001032410.1, residues 504-524): NVLISVLQAI[Arg514Gln]KTICDWEGGR